The following is an entry in ClinVar:

NM_000138.5(FBN1):c.5854G>T (p.Gly1952Trp)

Gene: FBN1 (fibrillin 1; minus strand). Cytogenetic location: 15q21.1.
Variant type: single nucleotide variant.
Coding change: c.5854G>T on transcript NM_000138.5 (MANE Select); coding-DNA position 5854, G replaced by T.
Protein change: p.Gly1952Trp; replaces glycine 1952 with tryptophan.
Molecular consequence: missense variant.
Genome position (GRCh38, 1-based): chr15:48,445,439, C>A on the plus strand (G>T on the coding strand, the complement: FBN1 is on the minus strand). VCF-style: chr15-48445439-C-A. GRCh37 (hg19) VCF-style: chr15-48737636-C-A.
Other names: c.5854G>T, p.Gly1952Trp (NM_001406716.1); short protein forms G1952W.
Identifiers: ClinVar variation 3763327 (VCV003763327.2).

ClinVar aggregate classification (germline): Uncertain significance (1 of 4 stars; one submission).

Conditions:
Marfan syndrome (MFS). Also called: MARFAN SYNDROME, TYPE I; Marfan syndrome type 1; Marfan's syndrome; Marfan syndrome, classic; FBN1-Related Marfan Syndrome. Identifiers: Orphanet 284963, Orphanet 558, MedGen C0024796, MONDO:0007947, OMIM 154700.
Familial thoracic aortic aneurysm and aortic dissection (TAAD). Also called: Thoracic aortic aneurysms and dissections. Identifiers: Orphanet 91387, MedGen C4707243, MONDO:0019625.

Submission:

Labcorp Genetics (formerly Invitae), Labcorp
Classification: Uncertain significance for Marfan syndrome; Familial thoracic aortic aneurysm and aortic dissection. Last evaluated: 2025-07-27. Review status: criteria provided, single submitter. Criteria: Invitae Variant Classification Sherloc (09022015). Collection method: clinical testing. Allele origin: germline.
Comment: This sequence change replaces glycine, which is neutral and non-polar, with tryptophan, which is neutral and slightly polar, at codon 1952 of the FBN1 protein (p.Gly1952Trp). This variant is not present in population databases (gnomAD no frequency). This variant has not been reported in the literature in individuals affected with FBN1-related conditions. ClinVar contains an entry for this variant (Variation ID: 3763327). Invitae Evidence Modeling of protein sequence and biophysical properties (such as structural, functional, and spatial information, amino acid conservation, physicochemical variation, residue mobility, and thermodynamic stability) indicates that this missense variant is expected to disrupt FBN1 protein function with a positive predictive value of 95%. Algorithms developed to predict the effect of sequence changes on RNA splicing suggest that this variant may create or strengthen a splice site. In summary, the available evidence is currently insufficient to determine the role of this variant in disease. Therefore, it has been classified as a Variant of Uncertain Significance.